The following is an entry in ClinVar:

NM_152564.5(VPS13B):c.8309C>A (p.Ser2770Ter)

Gene: VPS13B (vacuolar protein sorting 13 homolog B; plus strand). Cytogenetic location: 8q22.2.
Variant type: single nucleotide variant.
Coding change: c.8309C>A on transcript NM_152564.5 (MANE Select); coding-DNA position 8309, C replaced by A.
Protein change: p.Ser2770Ter; replaces serine 2770 with a stop codon.
Molecular consequence: nonsense.
Genome position (GRCh38, 1-based): chr8:99,817,751, C>A. VCF-style: chr8-99817751-C-A. GRCh37 (hg19) VCF-style: chr8-100829979-C-A.
Other names: c.8384C>A, p.Ser2795Ter (NM_017890.5); short protein forms S2795*, S2770*.
Identifiers: ClinVar variation 3661939 (VCV003661939.2).
Genomic context (GRCh38, chr8:99,817,751, plus strand): 5'-TACTAGAAAACAATGAACTGACGGAGCTGTGTGTGAAGGCCAAAGGAGATGAAGACTGGT[C>A]AAGAGATGTGTGCCTGGAATCCAAAGCCCCTGAGTACAGCATTGTCATTCAGGTTTGAAA-3'

ClinVar aggregate classification (germline): Pathogenic (1 of 4 stars; one submission).

Conditions:
Cohen syndrome (COH1). Also called: PEPPER SYNDROME; Cutis verticis gyrata, retinitis pigmentosa, and sensorineural deafness. Identifiers: Orphanet 193, MedGen C0265223, MONDO:0008999, OMIM 216550.

Submission:

Labcorp Genetics (formerly Invitae), Labcorp
Classification: Pathogenic for Cohen syndrome. Last evaluated: 2024-09-30. Review status: criteria provided, single submitter. Criteria: Invitae Variant Classification Sherloc (09022015). Collection method: clinical testing. Allele origin: germline.
Comment: This sequence change creates a premature translational stop signal (p.Ser2795*) in the VPS13B gene. It is expected to result in an absent or disrupted protein product. Loss-of-function variants in VPS13B are known to be pathogenic (PMID: 15141358, 16648375, 20461111). This variant is not present in population databases (gnomAD no frequency). This variant has not been reported in the literature in individuals affected with VPS13B-related conditions. Algorithms developed to predict the effect of sequence changes on RNA splicing suggest that this variant may disrupt the consensus splice site. For these reasons, this variant has been classified as Pathogenic.

Literature cited by the submitters: PubMed 15141358; PubMed 16648375; PubMed 20461111.